The following is an entry in ClinVar:

NM_031433.4(MFRP):c.515G>A (p.Trp172Ter)

Genes: C1QTNF5 (C1q and TNF related 5; minus strand), MFRP (membrane frizzled-related protein; minus strand). Cytogenetic location: 11q23.3.
Variant type: single nucleotide variant.
Coding change: c.515G>A on transcript NM_031433.4 (MANE Select); coding-DNA position 515, G replaced by A.
Protein change: p.Trp172Ter; replaces tryptophan 172 with a stop codon.
Molecular consequence: nonsense. On other transcripts: 5 prime UTR variant (1).
Genome position (GRCh38, 1-based): chr11:119,345,546, C>T on the plus strand (G>A on the coding strand, the complement: MFRP is on the minus strand). VCF-style: chr11-119345546-C-T. GRCh37 (hg19) VCF-style: chr11-119216256-C-T.
Other names: c.-2122G>A (NM_015645.5); short protein forms W172*.
Identifiers: ClinVar variation 4766812 (VCV004766812.1).
Genomic context (GRCh38, chr11:119,345,546, plus strand): 5'-TCTATGCTGAGGGCTTCGATCTTGAGCTGTATTGCATGGTCTGTGGCCACCTGGATATGC[C>T]ACACGCAGTGGGTGTTGGGGGGGTAAGGGTCTGGGTAGTTAGGGCTGCTGAAGAAGCCCC-3'

ClinVar aggregate classification (germline): Pathogenic (1 of 4 stars; one submission).

Conditions:
Isolated microphthalmia 5. Also called: Posterior Microphthalmia with Retinitis Pigmentosa, Foveoschisis, and Optic Disc Drusen. Identifiers: Orphanet 251279, MedGen C1970236, MONDO:0012605, OMIM 611040.

Submission:

Labcorp Genetics (formerly Invitae), Labcorp
Classification: Pathogenic for Isolated microphthalmia 5. Last evaluated: 2025-12-22. Review status: criteria provided, single submitter. Criteria: Invitae Variant Classification Sherloc (09022015). Collection method: clinical testing. Allele origin: germline.
Comment: This sequence change creates a premature translational stop signal (p.Trp172*) in the MFRP gene. It is expected to result in an absent or disrupted protein product. Loss-of-function variants in MFRP are known to be pathogenic (PMID: 12140190, 15976030, 20361016). This variant is present in population databases (rs561178435, gnomAD 0.0009%). This variant has not been reported in the literature in individuals affected with MFRP-related conditions. Algorithms developed to predict the effect of sequence changes on RNA splicing suggest that this variant may disrupt the consensus splice site. For these reasons, this variant has been classified as Pathogenic.

Literature cited by the submitters: PubMed 12140190; PubMed 15976030; PubMed 20361016.